The following is an entry in ClinVar:

NM_006164.5(NFE2L2):c.283G>T (p.Glu95Ter)

Gene: NFE2L2 (NFE2 like bZIP transcription factor 2; minus strand). Cytogenetic location: 2q31.2.
Variant type: single nucleotide variant.
Coding change: c.283G>T on transcript NM_006164.5 (MANE Select); coding-DNA position 283, G replaced by T.
Protein change: p.Glu95Ter; replaces glutamic acid 95 with a stop codon.
Molecular consequence: nonsense. On other transcripts: intron variant (2).
Genome position (GRCh38, 1-based): chr2:177,234,034, C>A on the plus strand (G>T on the coding strand, the complement: NFE2L2 is on the minus strand). VCF-style: chr2-177234034-C-A. GRCh37 (hg19) VCF-style: chr2-178098762-C-A.
Other names: c.235G>T, p.Glu79Ter (NM_001145412.3, NM_001145413.3, NM_001313900.1 and 1 more transcripts); c.283G>T, p.Glu95Ter (NM_001313902.2); c.12+42G>T (NM_001313904.1); c.93+190G>T (NM_001313903.2); short protein forms E79*, E95*.
Identifiers: ClinVar variation 2121090 (VCV002121090.4), dbSNP rs2105458250, ClinGen allele CA349380198.

ClinVar aggregate classification (germline): Uncertain significance (1 of 4 stars; one submission).

Submission:

Labcorp Genetics (formerly Invitae), Labcorp
Classification: Uncertain significance. Last evaluated: 2022-05-07. Review status: criteria provided, single submitter. Criteria: Invitae Variant Classification Sherloc (09022015). Collection method: clinical testing. Allele origin: germline.
Comment: This variant has not been reported in the literature in individuals affected with NFE2L2-related conditions. This variant is not present in population databases (gnomAD no frequency). This sequence change creates a premature translational stop signal (p.Glu95*) in the NFE2L2 gene. It is expected to result in an absent or disrupted protein product. However, the current clinical and genetic evidence is not sufficient to establish whether loss-of-function variants in NFE2L2 cause disease. In summary, the available evidence is currently insufficient to determine the role of this variant in disease. Therefore, it has been classified as a Variant of Uncertain Significance. Algorithms developed to predict the effect of sequence changes on RNA splicing suggest that this variant may create or strengthen a splice site.